The following is an entry in ClinVar:

ClinVar aggregate classification (germline): Uncertain significance (1 of 4 stars; one submission).

Conditions:
Hereditary cancer-predisposing syndrome. Also called: Hereditary neoplastic syndrome; Neoplastic Syndromes, Hereditary; Tumor predisposition; Hereditary Cancer Syndrome. Identifiers: Orphanet 140162, MedGen C0027672, MeSH D009386, MONDO:0015356.

Submission:

Ambry Genetics
Classification: Uncertain significance for Hereditary cancer-predisposing syndrome. Last evaluated: 2025-07-25. Review status: criteria provided, single submitter. Criteria: Ambry Variant Classification Scheme 2023. Collection method: clinical testing. Allele origin: germline.
Comment: The p.F481L variant (also known as c.1443C>G), located in coding exon 11 of the POLD1 gene, results from a C to G substitution at nucleotide position 1443. The phenylalanine at codon 481 is replaced by leucine, an amino acid with highly similar properties. This amino acid position is conserved. In addition, this alteration is predicted to be tolerated by in silico analysis. Based on the available evidence, the clinical significance of this variant remains unclear.

NM_002691.4(POLD1):c.1443C>G (p.Phe481Leu)

Gene: POLD1 (DNA polymerase delta 1, catalytic subunit; plus strand). Cytogenetic location: 19q13.33.
Variant type: single nucleotide variant.
Coding change: c.1443C>G on transcript NM_002691.4 (MANE Select); coding-DNA position 1443, C replaced by G.
Protein change: p.Phe481Leu; replaces phenylalanine 481 with leucine.
Molecular consequence: missense variant. On other transcripts: non-coding transcript variant (1).
Genome position (GRCh38, 1-based): chr19:50,406,466, C>G. VCF-style: chr19-50406466-C-G. GRCh37 (hg19) VCF-style: chr19-50909723-C-G.
Other names: c.1443C>G, p.Phe481Leu (NM_001256849.1, NM_001308632.1, NM_001438210.1 and 3 more transcripts); short protein forms F481L.
Identifiers: ClinVar variation 4141009 (VCV004141009.1).
Genomic context (GRCh38, chr19:50,406,466, plus strand): 5'-GGTGCTGCTGCGGGAGTACAAGCTCCGCTCCTACACGCTCAATGCCGTGAGCTTCCACTT[C>G]CTGGGCGAGCAGAAGGAGGACGTGCAGCACAGCATCATCACCGACCTGCAGGTGCCTGCT-3'
Protein context (NP_002682.2, residues 471-491): SYTLNAVSFH[Phe481Leu]LGEQKEDVQH